The following is an entry in ClinVar:

NM_000051.4(ATM):c.300G>C (p.Leu100Phe)

Gene: ATM (ATM serine/threonine kinase; plus strand). Cytogenetic location: 11q22.3.
Variant type: single nucleotide variant.
Coding change: c.300G>C on transcript NM_000051.4 (MANE Select); coding-DNA position 300, G replaced by C.
Protein change: p.Leu100Phe; replaces leucine 100 with phenylalanine.
Molecular consequence: missense variant.
Genome position (GRCh38, 1-based): chr11:108,229,292, G>C. VCF-style: chr11-108229292-G-C. GRCh37 (hg19) VCF-style: chr11-108100019-G-C.
Other names: c.300G>C, p.Leu100Phe (NM_001351834.2, NM_001351835.2, NM_001351836.2); c.300G>C (NM_000051.3); short protein forms L100F.
Identifiers: ClinVar variation 1525637 (VCV001525637.7), dbSNP rs878853499, ClinGen allele CA382521736.

ClinVar aggregate classification (germline): Uncertain significance. Review status: criteria provided, multiple submitters, no conflicts (2 of 4 stars). 2 submissions from 2 submitters: Uncertain significance (2). Last evaluated 2025-06-16.

Conditions:
Ataxia-telangiectasia syndrome (AT). Also called: Ataxia-telangiectasia, complementation group E; Cerebello-oculocutaneous telangiectasia; Immunodeficiency with ataxia telangiectasia; ATAXIA-TELANGIECTASIA, COMPLEMENTATION GROUP A; ATAXIA-TELANGIECTASIA, FRESNO VARIANT; Ataxia-telangiectasia, complementation group D. Identifiers: Orphanet 100, MedGen C0004135, MONDO:0008840, OMIM 208900.
Hereditary cancer-predisposing syndrome. Also called: Tumor predisposition; Hereditary neoplastic syndrome; Neoplastic Syndromes, Hereditary; Hereditary Cancer Syndrome. Identifiers: Orphanet 140162, MedGen C0027672, MeSH D009386, MONDO:0015356.

Allele frequency attached by ClinVar (database versions not stated): gnomAD exomes below 0.00001.
gnomAD v4.1: 1 of 1,613,194 alleles (0.000062%); highest among the groups gnomAD compares: South Asian, 0.0011%; no homozygotes.

Submissions (2):

Labcorp Genetics (formerly Invitae), Labcorp
Classification: Uncertain significance for Ataxia-telangiectasia syndrome. Last evaluated: 2025-06-16. Review status: criteria provided, single submitter. Criteria: Invitae Variant Classification Sherloc (09022015). Collection method: clinical testing. Allele origin: germline.
Comment: This sequence change replaces leucine, which is neutral and non-polar, with phenylalanine, which is neutral and non-polar, at codon 100 of the ATM protein (p.Leu100Phe). This variant is not present in population databases (gnomAD no frequency). This variant has not been reported in the literature in individuals affected with ATM-related conditions. ClinVar contains an entry for this variant (Variation ID: 1525637). Invitae Evidence Modeling of protein sequence and biophysical properties (such as structural, functional, and spatial information, amino acid conservation, physicochemical variation, residue mobility, and thermodynamic stability) indicates that this missense variant is not expected to disrupt ATM protein function with a negative predictive value of 95%. In summary, the available evidence is currently insufficient to determine the role of this variant in disease. Therefore, it has been classified as a Variant of Uncertain Significance.

Ambry Genetics
Classification: Uncertain significance for Hereditary cancer-predisposing syndrome. Last evaluated: 2025-06-11. Review status: criteria provided, single submitter. Criteria: Ambry Variant Classification Scheme 2023. Collection method: clinical testing. Allele origin: germline.
Comment: The p.L100F variant (also known as c.300G>C), located in coding exon 3 of the ATM gene, results from a G to C substitution at nucleotide position 300. The leucine at codon 100 is replaced by phenylalanine, an amino acid with highly similar properties. This amino acid position is highly conserved in available vertebrate species. In addition, the in silico prediction for this alteration is inconclusive. Based on the available evidence, the clinical significance of this variant remains unclear.